The following is an entry in ClinVar:

ClinVar aggregate classification (germline): Uncertain significance. Review status: criteria provided, multiple submitters, no conflicts (2 of 4 stars). 3 submissions from 3 submitters: Uncertain significance (3). Last evaluated 2025-02-05.

Conditions:
Hereditary cancer-predisposing syndrome. Also called: Tumor predisposition; Hereditary Cancer Syndrome; Neoplastic Syndromes, Hereditary; Hereditary neoplastic syndrome. Identifiers: Orphanet 140162, MedGen C0027672, MeSH D009386, MONDO:0015356.
Neuroblastoma, susceptibility to, 3. Also called: ALK-Related Neuroblastic Tumor Susceptibility. Identifiers: Orphanet 635, MedGen C2751681, MONDO:0013083, OMIM 613014.

Allele frequency attached by ClinVar (database versions not stated): TOPMed below 0.00001.
gnomAD v4.1: 1 of 1,593,928 alleles (0.000063%); highest among the groups gnomAD compares: Non-Finnish European, 0.000086%; no homozygotes.

Submissions (3):

Labcorp Genetics (formerly Invitae), Labcorp
Classification: Uncertain significance for Neuroblastoma, susceptibility to, 3. Last evaluated: 2025-02-05. Review status: criteria provided, single submitter. Criteria: Invitae Variant Classification Sherloc (09022015). Collection method: clinical testing. Allele origin: germline.
Comment: This sequence change replaces serine, which is neutral and polar, with arginine, which is basic and polar, at codon 1437 of the ALK protein (p.Ser1437Arg). This variant is not present in population databases (gnomAD no frequency). This variant has not been reported in the literature in individuals affected with ALK-related conditions. ClinVar contains an entry for this variant (Variation ID: 863770). An algorithm developed to predict the effect of missense changes on protein structure and function (PolyPhen-2) suggests that this variant is likely to be tolerated. In summary, the available evidence is currently insufficient to determine the role of this variant in disease. Therefore, it has been classified as a Variant of Uncertain Significance.

Ambry Genetics
Classification: Uncertain significance for Hereditary cancer-predisposing syndrome. Last evaluated: 2024-04-22. Review status: criteria provided, single submitter. Criteria: Ambry Variant Classification Scheme 2023. Collection method: clinical testing. Allele origin: germline.
Comment: The p.S1437R variant (also known as c.4311C>A), located in coding exon 29 of the ALK gene, results from a C to A substitution at nucleotide position 4311. The serine at codon 1437 is replaced by arginine, an amino acid with dissimilar properties. This amino acid position is conserved. In addition, this alteration is predicted to be tolerated by in silico analysis. Since supporting evidence is limited at this time, the clinical significance of this alteration remains unclear.

GeneDx
Classification: Uncertain significance. Last evaluated: 2023-10-03. Review status: criteria provided, single submitter. Criteria: GeneDx Variant Classification Process June 2021. Collection method: clinical testing. Allele origin: germline. Affected: yes.
Comment: Not observed at significant frequency in large population cohorts (gnomAD); In silico analysis supports that this missense variant does not alter protein structure/function; Has not been previously published as pathogenic or benign to our knowledge

NM_004304.5(ALK):c.4311C>A (p.Ser1437Arg)

Gene: ALK (ALK receptor tyrosine kinase; minus strand). Cytogenetic location: 2p23.2.
Variant type: single nucleotide variant.
Coding change: c.4311C>A on transcript NM_004304.5 (MANE Select); coding-DNA position 4311, C replaced by A.
Protein change: p.Ser1437Arg; replaces serine 1437 with arginine.
Molecular consequence: missense variant.
Genome position (GRCh38, 1-based): chr2:29,193,776, G>T on the plus strand (C>A on the coding strand, the complement: ALK is on the minus strand). VCF-style: chr2-29193776-G-T. GRCh37 (hg19) VCF-style: chr2-29416642-G-T.
Other names: c.1107C>A, p.Ser369Arg (NM_001353765.2); short protein forms S1437R, S369R.
Identifiers: ClinVar variation 863770 (VCV000863770.14), dbSNP rs1173440684, ClinGen allele CA346462686.